The following is an entry in ClinVar:

NM_001042492.3(NF1):c.6719_6723del (p.Tyr2240fs)

Gene: NF1 (neurofibromin 1; plus strand). Cytogenetic location: 17q11.2.
Variant type: Deletion.
Coding change: c.6719_6723del on transcript NM_001042492.3 (MANE Select); coding-DNA positions 6719 to 6723, 5 bases deleted (ATAAT; older notation c.6719_6723delATAAT).
Protein change: p.Tyr2240fs; shifts the reading frame from tyrosine 2240.
Molecular consequence: frameshift variant.
Genome position (GRCh38, 1-based): chr17:31,338,039-31,338,043, ATAAT deleted; deleting any 5 consecutive bases within chr17:31,338,036-31,338,043 gives the same sequence; the c. name uses the placement nearest the transcript's 3' end. VCF-style (leftmost placement, unchanged base first): chr17-31338035-CAATAT-C. GRCh37 (hg19) VCF-style: chr17-29665053-CAATAT-C.
Other names: c.6656_6660delATAAT, p.Tyr2219Serfs (NM_000267.4); short protein forms Y2219fs, Y2240fs.
Identifiers: ClinVar variation 942027 (VCV000942027.6), dbSNP rs2069724925, ClinGen allele CA1139665456.

ClinVar aggregate classification (germline): Pathogenic (1 of 4 stars; one submission).

Conditions:
Neurofibromatosis, type 1 (NF1). Also called: Peripheral type neurofibromatosis; Neurofibromatosis, type I; VON RECKLINGHAUSEN DISEASE; NEUROFIBROMATOSIS, TYPE I, SOMATIC. Identifiers: Orphanet 636, MedGen C0027831, MONDO:0018975, OMIM 162200. Disease mechanism: loss of function.

Submission:

Labcorp Genetics (formerly Invitae), Labcorp
Classification: Pathogenic for Neurofibromatosis, type 1. Last evaluated: 2019-09-01. Review status: criteria provided, single submitter. Criteria: Invitae Variant Classification Sherloc (09022015). Collection method: clinical testing. Allele origin: germline.
Comment: This sequence change creates a premature translational stop signal (p.Tyr2219Serfs*15) in the NF1 gene. It is expected to result in an absent or disrupted protein product. This variant is not present in population databases (ExAC no frequency). This variant has not been reported in the literature in individuals with NF1-related conditions. Loss-of-function variants in NF1 are known to be pathogenic (PMID: 10712197, 23913538). For these reasons, this variant has been classified as Pathogenic.

Literature cited by the submitters: PubMed 10712197; PubMed 23913538.